The following is an entry in ClinVar:

NM_024876.4(COQ8B):c.968G>A (p.Gly323Asp)

Gene: COQ8B (coenzyme Q8B; minus strand). Cytogenetic location: 19q13.2.
Variant type: single nucleotide variant.
Coding change: c.968G>A on transcript NM_024876.4 (MANE Select); coding-DNA position 968, G replaced by A.
Protein change: p.Gly323Asp; replaces glycine 323 with aspartic acid.
Molecular consequence: missense variant.
Genome position (GRCh38, 1-based): chr19:40,700,377, C>T on the plus strand (G>A on the coding strand, the complement: COQ8B is on the minus strand). VCF-style: chr19-40700377-C-T. GRCh37 (hg19) VCF-style: chr19-41206282-C-T.
Other names: c.845G>A, p.Gly282Asp (NM_001142555.3); short protein forms G282D, G323D.
Identifiers: ClinVar variation 3234503 (VCV003234503.20), dbSNP rs375247053, ClinGen allele CA9450202.

ClinVar aggregate classification (germline): Uncertain significance (1 of 4 stars; one submission).

Allele frequency attached by ClinVar (database versions not stated): ExAC 0.00004; TOPMed 0.00005; gnomAD 0.00006; gnomAD exomes 0.00006; ESP Exome Variant Server 0.00008.
gnomAD v4.1: 105 of 1,614,076 alleles (0.0065%); highest among the groups gnomAD compares: Non-Finnish European, 0.0076%; no homozygotes.

Submission:

CeGaT Center for Human Genetics Tuebingen
Classification: Uncertain significance. Last evaluated: 2024-04-01. Review status: criteria provided, single submitter. Criteria: CeGaT Center For Human Genetics Tuebingen Variant Classification Criteria Version 2. Collection method: clinical testing. Allele origin: germline. Affected: yes. Observed: 1 variant allele.
Comment: COQ8B: PM2